The following is an entry in ClinVar:

NM_001164508.2(NEB):c.23764G>A (p.Gly7922Arg)

Genes: NEB (nebulin; minus strand), RIF1 (replication timing regulatory factor 1; plus strand). Cytogenetic location: 2q23.3.
Variant type: single nucleotide variant.
Coding change: c.23764G>A on transcript NM_001164508.2 (MANE Select); coding-DNA position 23764, G replaced by A.
Protein change: p.Gly7922Arg; replaces glycine 7922 with arginine.
Molecular consequence: missense variant.
Genome position (GRCh38, 1-based): chr2:151,503,420, C>T on the plus strand (G>A on the coding strand, the complement: NEB is on the minus strand). VCF-style: chr2-151503420-C-T. GRCh37 (hg19) VCF-style: chr2-152359934-C-T.
Other names: c.23764G>A, p.Gly7922Arg (NM_001164507.2); c.23869G>A, p.Gly7957Arg (NM_001271208.2); c.18661G>A, p.Gly6221Arg (NM_004543.5); short protein forms G7922R, G6221R, G7957R.
Identifiers: ClinVar variation 1040463 (VCV001040463.13), dbSNP rs762094581, ClinGen allele CA1906248.

ClinVar aggregate classification (germline): Uncertain significance. Review status: criteria provided, multiple submitters, no conflicts (2 of 4 stars). 3 submissions from 3 submitters: Uncertain significance (2). 1 of the submissions does not count toward it. Last evaluated 2024-06-06.

Conditions:
Nemaline myopathy 2 (NEM2). Also called: Nemaline myopathy 2, autosomal recessive. Identifiers: MedGen C1850569, MONDO:0009725, OMIM 256030.

Allele frequency attached by ClinVar (database versions not stated): TOPMed below 0.00001; gnomAD 0.00001; gnomAD exomes 0.00002; ExAC 0.00003.
gnomAD v4.1: 18 of 1,611,354 alleles (0.0011%); highest among the groups gnomAD compares: Non-Finnish European, 0.0015%; no homozygotes.

Submissions (3):

Blueprint Genetics
Classification: Uncertain significance. Last evaluated: 2024-06-06. Review status: criteria provided, single submitter. Criteria: ACMG Guidelines, 2015. Collection method: clinical testing. Allele origin: germline.

Labcorp Genetics (formerly Invitae), Labcorp
Classification: Uncertain significance for Nemaline myopathy 2. Last evaluated: 2024-04-17. Review status: criteria provided, single submitter. Criteria: Invitae Variant Classification Sherloc (09022015). Collection method: clinical testing. Allele origin: germline.
Comment: This sequence change replaces glycine, which is neutral and non-polar, with arginine, which is basic and polar, at codon 7957 of the NEB protein (p.Gly7957Arg). This variant is present in population databases (rs762094581, gnomAD 0.004%), including at least one homozygous and/or hemizygous individual. This missense change has been observed in individual(s) with NEB-related conditions (Invitae). ClinVar contains an entry for this variant (Variation ID: 1040463). Experimental studies and prediction algorithms are not available or were not evaluated, and the functional significance of this variant is currently unknown. In summary, the available evidence is currently insufficient to determine the role of this variant in disease. Therefore, it has been classified as a Variant of Uncertain Significance.

Natera, Inc.
Classification: Uncertain significance for Nemaline myopathy type 2. Last evaluated: 2020-10-23. Review status: no assertion criteria provided. Collection method: clinical testing. Allele origin: germline. Not counted in ClinVar's aggregate classification.